The following is an entry in ClinVar:

ClinVar aggregate classification (germline): Uncertain significance (1 of 4 stars; one submission).

Conditions:
Norman-Roberts syndrome (LIS2). Also called: Lissencephaly 2 (Norman-Roberts type). Identifiers: Orphanet 89844, MedGen C0796089, MONDO:0009760, OMIM 257320.
Familial temporal lobe epilepsy 7. Identifiers: Orphanet 101046, MedGen C4225327, MONDO:0014639, OMIM 616436.

Submission:

Labcorp Genetics (formerly Invitae), Labcorp
Classification: Uncertain significance for Familial temporal lobe epilepsy 7; Norman-Roberts syndrome. Last evaluated: 2020-03-10. Review status: criteria provided, single submitter. Criteria: Invitae Variant Classification Sherloc (09022015). Collection method: clinical testing. Allele origin: germline.
Comment: In summary, the available evidence is currently insufficient to determine the role of this variant in disease. Therefore, it has been classified as a Variant of Uncertain Significance. This sequence change replaces glycine with arginine at codon 3239 of the RELN protein (p.Gly3239Arg). The glycine residue is moderately conserved and there is a moderate physicochemical difference between glycine and arginine. This variant is not present in population databases (ExAC no frequency). This variant has not been reported in the literature in individuals with RELN-related conditions. Algorithms developed to predict the effect of missense changes on protein structure and function are either unavailable or do not agree on the potential impact of this missense change (SIFT: "Deleterious"; PolyPhen-2: "Possibly Damaging"; Align-GVGD: "Class C0").

NM_005045.4(RELN):c.9715G>A (p.Gly3239Arg)

Genes: RELN (reelin; minus strand), SLC26A5-AS1 (SLC26A5 antisense RNA 1; plus strand), LOC126860130 (BRD4-independent group 4 enhancer GRCh37_chr7:103130126-103131325; plus strand). Cytogenetic location: 7q22.1.
Variant type: single nucleotide variant.
Coding change: c.9715G>A on transcript NM_005045.4 (MANE Select); coding-DNA position 9715, G replaced by A.
Protein change: p.Gly3239Arg; replaces glycine 3239 with arginine.
Molecular consequence: missense variant.
Genome position (GRCh38, 1-based): chr7:103,489,790, C>T on the plus strand (G>A on the coding strand, the complement: RELN is on the minus strand). VCF-style: chr7-103489790-C-T. GRCh37 (hg19) VCF-style: chr7-103130237-C-T.
Other names: c.9715G>A, p.Gly3239Arg (NM_173054.3); short protein forms G3239R.
Identifiers: ClinVar variation 1039373 (VCV001039373.9), dbSNP rs1220775268, ClinGen allele CA368743555.
Genomic context (GRCh38, chr7:103,489,790, plus strand): 5'-TGGGATTCAGACCTTGGAAGCTCTCGTCGCAGATGCAGATGGCACCGGTCGTGCAGTATC[C>T]GTGCCCGCTGCAGAGCTTGGGGCAAGCCTCTCCAATGTACACGTGGTCAATTGCCCAGCT-3'
Protein context (NP_005036.2, residues 3229-3249): EACPKLCSGH[Gly3239Arg]YCTTGAICIC